The following is an entry in ClinVar:

NM_000821.7(GGCX):c.27G>C (p.Arg9=)

Gene: GGCX (gamma-glutamyl carboxylase; minus strand). Cytogenetic location: 2p11.2.
Variant type: single nucleotide variant.
Coding change: c.27G>C on transcript NM_000821.7 (MANE Select); coding-DNA position 27, G replaced by C.
Protein change: p.Arg9=; no amino-acid change (arginine 9 retained).
Molecular consequence: synonymous variant.
Genome position (GRCh38, 1-based): chr2:85,561,402, C>G on the plus strand (G>C on the coding strand, the complement: GGCX is on the minus strand). VCF-style: chr2-85561402-C-G. GRCh37 (hg19) VCF-style: chr2-85788525-C-G.
Other names: c.27G>C, p.Arg9= (NM_001142269.4, NM_001311312.3).
Identifiers: ClinVar variation 4983639 (VCV004983639.1).

ClinVar aggregate classification (germline): Likely benign (1 of 4 stars; one submission).

Conditions:
GGCX-related disorder. Also called: GGCX-related condition; GGCX - Related Disorders.

gnomAD v4.1: 3 of 1,571,722 alleles (0.00019%); highest among the groups gnomAD compares: Non-Finnish European, 0.00026%; no homozygotes.

Submission:

PreventionGenetics, part of Exact Sciences
Classification: Likely benign for GGCX-related condition. Last evaluated: 2025-03-14. Review status: criteria provided, single submitter. Criteria: ACMG Guidelines, 2015. Collection method: clinical testing. Allele origin: germline.
Comment: This variant is classified as likely benign based on ACMG/AMP sequence variant interpretation guidelines (Richards et al. 2015 PMID: 25741868, with internal and published modifications).